The following is an entry in ClinVar:

NM_000059.4(BRCA2):c.4447A>T (p.Thr1483Ser)

Gene: BRCA2 (BRCA2 DNA repair associated; plus strand). Cytogenetic location: 13q13.1.
Variant type: single nucleotide variant.
Coding change: c.4447A>T on transcript NM_000059.4 (MANE Select); coding-DNA position 4447, A replaced by T.
Protein change: p.Thr1483Ser; replaces threonine 1483 with serine.
Molecular consequence: missense variant. On other transcripts: non-coding transcript variant (1), intron variant (2).
Genome position (GRCh38, 1-based): chr13:32,338,802, A>T. VCF-style: chr13-32338802-A-T. GRCh37 (hg19) VCF-style: chr13-32912939-A-T.
Other names: c.4447A>T, p.Thr1483Ser (NM_001406719.1, NM_001406720.1, NM_001432077.1); c.1909+5415A>T (NM_001406721.1); c.425-5756A>T (NM_001406722.1); short protein forms T1483S.
Identifiers: ClinVar variation 4628479 (VCV004628479.1).

ClinVar aggregate classification (germline): Uncertain significance (1 of 4 stars; one submission).

Conditions:
Hereditary cancer-predisposing syndrome. Also called: Neoplastic Syndromes, Hereditary; Tumor predisposition; Hereditary Cancer Syndrome; Hereditary neoplastic syndrome. Identifiers: Orphanet 140162, MedGen C0027672, MeSH D009386, MONDO:0015356.

Submission:

Ambry Genetics
Classification: Uncertain significance for Hereditary cancer-predisposing syndrome. Last evaluated: 2025-09-20. Review status: criteria provided, single submitter. Criteria: Ambry Variant Classification Scheme 2023. Collection method: clinical testing. Allele origin: germline.
Comment: The p.T1483S variant (also known as c.4447A>T), located in coding exon 10 of the BRCA2 gene, results from an A to T substitution at nucleotide position 4447. The threonine at codon 1483 is replaced by serine, an amino acid with similar properties. This amino acid position is conserved. In addition, this alteration is predicted to be tolerated by in silico analysis. Based on the available evidence, the clinical significance of this variant remains unclear.